The following is an entry in ClinVar:

NM_015355.4(SUZ12):c.1080T>C (p.Arg360=)

Gene: SUZ12 (SUZ12 polycomb repressive complex 2 subunit; plus strand). Cytogenetic location: 17q11.2.
Variant type: single nucleotide variant.
Coding change: c.1080T>C on transcript NM_015355.4 (MANE Select); coding-DNA position 1080, T replaced by C.
Protein change: p.Arg360=; no amino-acid change (arginine 360 retained).
Molecular consequence: synonymous variant.
Genome position (GRCh38, 1-based): chr17:31,988,376, T>C. VCF-style: chr17-31988376-T-C. GRCh37 (hg19) VCF-style: chr17-30315395-T-C.
Other names: c.1011T>C, p.Arg337= (NM_001321207.2).
Identifiers: ClinVar variation 5039667 (VCV005039667.1).

ClinVar aggregate classification (germline): Likely benign (1 of 4 stars; one submission).

gnomAD v4.1: 6 of 1,607,424 alleles (0.00037%); highest among the groups gnomAD compares: Admixed American, 0.0017%; no homozygotes.

Submission:

CeGaT Center for Human Genetics Tuebingen
Classification: Likely benign. Last evaluated: 2026-07-01. Review status: criteria provided, single submitter. Criteria: CeGaT Center For Human Genetics Tuebingen Variant Classification Criteria Version 2. Collection method: clinical testing. Allele origin: germline. Affected: yes. Observed: 1 variant allele.
Comment: SUZ12: BP4, BP7